The following is an entry in ClinVar:

ClinVar aggregate classification (germline): Likely benign. Review status: criteria provided, multiple submitters, no conflicts (2 of 4 stars). 2 submissions from 2 submitters: Likely benign (2). Last evaluated 2026-05-01.

Allele frequency attached by ClinVar (database versions not stated): gnomAD 0.00006; ExAC 0.00007; ESP Exome Variant Server 0.00008; gnomAD exomes 0.00008; TOPMed 0.00008.
gnomAD v4.1: 136 of 1,610,938 alleles (0.0084%); highest among the groups gnomAD compares: Middle Eastern, 0.12%; no homozygotes.

Submissions (2):

CeGaT Center for Human Genetics Tuebingen
Classification: Likely benign. Last evaluated: 2026-05-01. Review status: criteria provided, single submitter. Criteria: CeGaT Center For Human Genetics Tuebingen Variant Classification Criteria Version 2. Collection method: clinical testing. Allele origin: germline. Affected: yes. Observed: 2 variant alleles.
Comment: TRIP12: BP4, BP7

Blueprint Genetics
Classification: Likely benign. Last evaluated: 2024-08-28. Review status: criteria provided, single submitter. Criteria: ACMG Guidelines, 2015. Collection method: clinical testing. Allele origin: germline.

NM_001348323.3(TRIP12):c.4137T>C (p.Val1379=)

Gene: TRIP12 (thyroid hormone receptor interactor 12; minus strand). Cytogenetic location: 2q36.3.
Variant type: single nucleotide variant.
Coding change: c.4137T>C on transcript NM_001348323.3 (MANE Select); coding-DNA position 4137, T replaced by C.
Protein change: p.Val1379=; no amino-acid change (valine 1379 retained).
Molecular consequence: synonymous variant.
Genome position (GRCh38, 1-based): chr2:229,792,977, A>G on the plus strand (T>C on the coding strand, the complement: TRIP12 is on the minus strand). VCF-style: chr2-229792977-A-G. GRCh37 (hg19) VCF-style: chr2-230657693-A-G.
Other names: c.4056T>C, p.Val1352= (NM_001284214.2, NM_001348315.2); c.4011T>C, p.Val1337= (NM_001284215.2, NM_001348316.2); c.3102T>C, p.Val1034= (NM_001284216.2); c.3996T>C, p.Val1332= (NM_001348317.1, NM_001348318.2); c.4122T>C, p.Val1374= (NM_001348319.1, NM_001348320.2); c.4125T>C, p.Val1375= (NM_001348321.1); c.4137T>C, p.Val1379= (NM_001348322.1, NM_001348324.2, NM_001348325.2 and 2 more transcripts); c.4140T>C, p.Val1380= (NM_001348328.1, NM_001348329.2, NM_001348330.2); and 4 more.
Identifiers: ClinVar variation 3025149 (VCV003025149.23), dbSNP rs140527604, ClinGen allele CA2152616.